The following is an entry in ClinVar:

NM_015102.5(NPHP4):c.115G>A (p.Asp39Asn)

Gene: NPHP4 (nephrocystin 4; minus strand). Cytogenetic location: 1p36.31.
Variant type: single nucleotide variant.
Coding change: c.115G>A on transcript NM_015102.5 (MANE Select); coding-DNA position 115, G replaced by A.
Protein change: p.Asp39Asn; replaces aspartic acid 39 with asparagine.
Molecular consequence: missense variant. On other transcripts: 5 prime UTR variant (1), non-coding transcript variant (1), intron variant (1).
Genome position (GRCh38, 1-based): chr1:5,986,175, C>T on the plus strand (G>A on the coding strand, the complement: NPHP4 is on the minus strand). VCF-style: chr1-5986175-C-T. GRCh37 (hg19) VCF-style: chr1-6046235-C-T.
Other names: c.-1115G>A (NM_001291593.2); c.-1088+6069G>A (NM_001291594.2); short protein forms D39N.
Identifiers: ClinVar variation 2075208 (VCV002075208.4), dbSNP rs1037735676, ClinGen allele CA17134444.

ClinVar aggregate classification (germline): Uncertain significance (1 of 4 stars; one submission).

Conditions:
Nephronophthisis. Also called: Juvenile Nephronophthisis. Identifiers: Orphanet 655, MedGen C0687120, MONDO:0019005, HP:0000090.

Allele frequency attached by ClinVar (database versions not stated): gnomAD exomes below 0.00001.
gnomAD v4.1: 1 of 1,613,920 alleles (0.000062%); highest among the groups gnomAD compares: Admixed American, 0.0017%; no homozygotes.

Submission:

Labcorp Genetics (formerly Invitae), Labcorp
Classification: Uncertain significance for Nephronophthisis. Last evaluated: 2022-06-03. Review status: criteria provided, single submitter. Criteria: Invitae Variant Classification Sherloc (09022015). Collection method: clinical testing. Allele origin: germline.
Comment: Algorithms developed to predict the effect of missense changes on protein structure and function are either unavailable or do not agree on the potential impact of this missense change (SIFT: "Tolerated"; PolyPhen-2: "Possibly Damaging"; Align-GVGD: "Class C0"). This sequence change replaces aspartic acid, which is acidic and polar, with asparagine, which is neutral and polar, at codon 39 of the NPHP4 protein (p.Asp39Asn). This variant is present in population databases (no rsID available, gnomAD 0.003%). This variant has not been reported in the literature in individuals affected with NPHP4-related conditions. In summary, the available evidence is currently insufficient to determine the role of this variant in disease. Therefore, it has been classified as a Variant of Uncertain Significance.